The following is an entry in ClinVar:

ClinVar aggregate classification (germline): Pathogenic. Review status: criteria provided, single submitter (1 of 4 stars). 2 submissions from 2 submitters: Pathogenic (1). 1 of the submissions does not count toward it. Last evaluated 2024-07-22.

Submissions (2):

GeneDx
Classification: Pathogenic. Last evaluated: 2024-07-22. Review status: criteria provided, single submitter. Criteria: GeneDx Variant Classification Process June 2021. Collection method: clinical testing. Allele origin: germline. Affected: yes.
Comment: Nonsense variant predicted to result in protein truncation or nonsense mediated decay in a gene for which loss of function is a known mechanism of disease; Not observed at significant frequency in large population cohorts (gnomAD); This variant is associated with the following publications: (PMID: 25525159, 11793468, 30285816, 29097507, 10946359)

GenMed Metabolism Lab
Classification: Pathogenic. Review status: no assertion criteria provided. Collection method: not provided. Allele origin: unknown. Not counted in ClinVar's aggregate classification.
Comment: p.Gln279X, Neonatal
ClinVar note: Converted during submission from pathogenic to Pathogenic.

NM_000531.6(OTC):c.835C>T (p.Gln279Ter)

Gene: OTC (ornithine transcarbamylase; plus strand). Cytogenetic location: Xp11.4.
Variant type: single nucleotide variant.
Coding change: c.835C>T on transcript NM_000531.6 (MANE Select); coding-DNA position 835, C replaced by T.
Protein change: p.Gln279Ter; replaces glutamine 279 with a stop codon.
Molecular consequence: nonsense.
Genome position (GRCh38, 1-based): chrX:38,408,993, C>T. VCF-style: chrX-38408993-C-T. GRCh37 (hg19) VCF-style: chrX-38268246-C-T.
Other names: short protein forms Q279*.
Identifiers: ClinVar variation 97341 (VCV000097341.3), dbSNP rs72558455, ClinGen allele CA224811.